The following is an entry in ClinVar:

ClinVar aggregate classification (germline): Uncertain significance. Review status: criteria provided, multiple submitters, no conflicts (2 of 4 stars). 2 submissions from 2 submitters: Uncertain significance (2). Last evaluated 2026-03-26.

Conditions:
Inborn genetic diseases. Identifiers: MedGen C0950123, MeSH D030342.

Submissions (2):

Ambry Genetics
Classification: Uncertain significance for Inborn genetic diseases. Last evaluated: 2026-03-26. Review status: criteria provided, single submitter. Criteria: Ambry Variant Classification Scheme 2023. Collection method: clinical testing. Allele origin: germline.

Labcorp Genetics (formerly Invitae), Labcorp
Classification: Uncertain significance. Last evaluated: 2025-02-16. Review status: criteria provided, single submitter. Criteria: Invitae Variant Classification Sherloc (09022015). Collection method: clinical testing. Allele origin: germline.
Comment: This sequence change replaces threonine, which is neutral and polar, with serine, which is neutral and polar, at codon 94 of the COL11A1 protein (p.Thr94Ser). This variant is not present in population databases (gnomAD no frequency). This variant has not been reported in the literature in individuals affected with COL11A1-related conditions. Invitae Evidence Modeling of protein sequence and biophysical properties (such as structural, functional, and spatial information, amino acid conservation, physicochemical variation, residue mobility, and thermodynamic stability) indicates that this missense variant is not expected to disrupt COL11A1 protein function with a negative predictive value of 95%. In summary, the available evidence is currently insufficient to determine the role of this variant in disease. Therefore, it has been classified as a Variant of Uncertain Significance.

NM_001854.4(COL11A1):c.281C>G (p.Thr94Ser)

Gene: COL11A1 (collagen type XI alpha 1 chain; minus strand). Cytogenetic location: 1p21.1.
Variant type: single nucleotide variant.
Coding change: c.281C>G on transcript NM_001854.4 (MANE Select); coding-DNA position 281, C replaced by G.
Protein change: p.Thr94Ser; replaces threonine 94 with serine.
Molecular consequence: missense variant. On other transcripts: non-coding transcript variant (1).
Genome position (GRCh38, 1-based): chr1:103,078,865, G>C on the plus strand (C>G on the coding strand, the complement: COL11A1 is on the minus strand). VCF-style: chr1-103078865-G-C. GRCh37 (hg19) VCF-style: chr1-103544421-G-C.
Other names: c.281C>G (NM_001854.3); c.281C>G, p.Thr94Ser (NM_001190709.2, NM_080629.3, NM_080630.4); short protein forms T94S.
Identifiers: ClinVar variation 3686337 (VCV003686337.3).